The following is an entry in ClinVar:

ClinVar aggregate classification (germline): Uncertain significance (1 of 4 stars; one submission).

Conditions:
RYR1-related disorder. Also called: RYR1-related condition; RYR1-related disorders. Identifiers: MedGen CN239331.

Allele frequency attached by ClinVar (database versions not stated): gnomAD exomes 0.00001 and 0.00002; ExAC 0.00003.
gnomAD v4.1: 9 of 1,613,462 alleles (0.00056%); highest among the groups gnomAD compares: East Asian, 0.0022%; no homozygotes.

Submission:

Labcorp Genetics (formerly Invitae), Labcorp
Classification: Uncertain significance for RYR1-related disorder. Last evaluated: 2025-08-04. Review status: criteria provided, single submitter. Criteria: Invitae Variant Classification Sherloc (09022015). Collection method: clinical testing. Allele origin: germline.
Comment: This sequence change replaces threonine, which is neutral and polar, with methionine, which is neutral and non-polar, at codon 2271 of the RYR1 protein (p.Thr2271Met). This variant is present in population databases (rs752643745, gnomAD 0.006%). This variant has not been reported in the literature in individuals affected with RYR1-related conditions. ClinVar contains an entry for this variant (Variation ID: 1438472). Invitae Evidence Modeling of protein sequence and biophysical properties (such as structural, functional, and spatial information, amino acid conservation, physicochemical variation, residue mobility, and thermodynamic stability) indicates that this missense variant is expected to disrupt RYR1 protein function with a positive predictive value of 80%. In summary, the available evidence is currently insufficient to determine the role of this variant in disease. Therefore, it has been classified as a Variant of Uncertain Significance.

NM_000540.3(RYR1):c.6812C>T (p.Thr2271Met)

Gene: RYR1 (ryanodine receptor 1; plus strand). Cytogenetic location: 19q13.2.
Variant type: single nucleotide variant.
Coding change: c.6812C>T on transcript NM_000540.3 (MANE Select); coding-DNA position 6812, C replaced by T.
Protein change: p.Thr2271Met; replaces threonine 2271 with methionine.
Molecular consequence: missense variant.
Genome position (GRCh38, 1-based): chr19:38,496,875, C>T. VCF-style: chr19-38496875-C-T. GRCh37 (hg19) VCF-style: chr19-38987515-C-T.
Other names: c.6812C>T, p.Thr2271Met (NM_001042723.2); short protein forms T2271M.
Identifiers: ClinVar variation 1438472 (VCV001438472.6), dbSNP rs752643745, ClinGen allele CA068776.